The following is an entry in ClinVar:

NM_005219.5(DIAPH1):c.1281-3T>C

Gene: DIAPH1 (diaphanous related formin 1; minus strand). Cytogenetic location: 5q31.3.
Variant type: single nucleotide variant.
Coding change: c.1281-3T>C on transcript NM_005219.5 (MANE Select); 3 bases into the intron before coding-DNA position 1281, T replaced by C.
Molecular consequence: intron variant.
Genome position (GRCh38, 1-based): chr5:141,576,874, A>G on the plus strand (T>C on the coding strand, the complement: DIAPH1 is on the minus strand). VCF-style: chr5-141576874-A-G. GRCh37 (hg19) VCF-style: chr5-140956441-A-G.
Other names: c.1254-3T>C (NM_001079812.3); c.1281-3T>C (NM_001314007.2).
Identifiers: ClinVar variation 3751284 (VCV003751284.2).

ClinVar aggregate classification (germline): Uncertain significance (1 of 4 stars; one submission).

Conditions:
Autosomal dominant nonsyndromic hearing loss 1. Also called: KONIGSMARK SYNDROME; DEAFNESS, AUTOSOMAL DOMINANT 1, WITH OR WITHOUT THROMBOCYTOPENIA. Identifiers: Orphanet 90635, MedGen C1852282, MONDO:0007424, OMIM 124900.
Progressive microcephaly-seizures-cortical blindness-developmental delay syndrome. Also called: Seizures, cortical blindness, and microcephaly syndrome. Identifiers: Orphanet 477814, MedGen C5567650, MONDO:0014714, OMIM 616632.

gnomAD v4.1: 4 of 1,539,164 alleles (0.00026%); highest among the groups gnomAD compares: Non-Finnish European, 0.00036%; no homozygotes.

Submission:

Labcorp Genetics (formerly Invitae), Labcorp
Classification: Uncertain significance for Progressive microcephaly-seizures-cortical blindness-developmental delay syndrome; Autosomal dominant nonsyndromic hearing loss 1. Last evaluated: 2024-04-02. Review status: criteria provided, single submitter. Criteria: Invitae Variant Classification Sherloc (09022015). Collection method: clinical testing. Allele origin: germline.
Comment: This sequence change falls in intron 12 of the DIAPH1 gene. It does not directly change the encoded amino acid sequence of the DIAPH1 protein. It affects a nucleotide within the consensus splice site. This variant is not present in population databases (gnomAD no frequency). This variant has not been reported in the literature in individuals affected with DIAPH1-related conditions. Variants that disrupt the consensus splice site are a relatively common cause of aberrant splicing (PMID: 17576681, 9536098). Algorithms developed to predict the effect of sequence changes on RNA splicing suggest that this variant is not likely to affect RNA splicing. In summary, the available evidence is currently insufficient to determine the role of this variant in disease. Therefore, it has been classified as a Variant of Uncertain Significance.

Literature cited by the submitters: PubMed 17576681; PubMed 9536098.